The following is an entry in ClinVar:

ClinVar aggregate classification (germline): Benign (1 of 4 stars; one submission).

Allele frequency attached by ClinVar (database versions not stated): 1000 Genomes Project 0.82847; 1000 Genomes Project 30x 0.83417; gnomAD 0.85601 and 0.86064; TOPMed 0.86601.
gnomAD v4.1: 130,218 of 152,114 alleles (86%); highest among the groups gnomAD compares: Middle Eastern, 91%; 55,934 homozygotes.

Submission:

GeneDx
Classification: Benign. Last evaluated: 2018-06-14. Review status: criteria provided, single submitter. Criteria: GeneDx Variant Classification (06012015). Collection method: clinical testing. Allele origin: germline. Affected: yes.
Comment: This variant is considered likely benign or benign based on one or more of the following criteria: it is a conservative change, it occurs at a poorly conserved position in the protein, it is predicted to be benign by multiple in silico algorithms, and/or has population frequency not consistent with disease.

NM_001083614.2(EARS2):c.959-209C>T

Gene: EARS2 (glutamyl-tRNA synthetase 2, mitochondrial; minus strand). Cytogenetic location: 16p12.2.
Variant type: single nucleotide variant.
Coding change: c.959-209C>T on transcript NM_001083614.2 (MANE Select); 209 bases into the intron before coding-DNA position 959, C replaced by T.
Molecular consequence: intron variant.
Genome position (GRCh38, 1-based): chr16:23,532,974, G>A on the plus strand (C>T on the coding strand, the complement: EARS2 is on the minus strand). VCF-style: chr16-23532974-G-A. GRCh37 (hg19) VCF-style: chr16-23544295-G-A.
Other names: c.959-209C>T (NM_001308211.1).
Identifiers: ClinVar variation 680557 (VCV000680557.1), dbSNP rs6497672, ClinGen allele CA14361193.